The following is an entry in ClinVar:

ClinVar aggregate classification (germline): Likely benign. Review status: criteria provided, multiple submitters, no conflicts (2 of 4 stars). 3 submissions from 3 submitters: Likely benign (3). Last evaluated 2026-01-26.

Conditions:
Eichsfeld type congenital muscular dystrophy (CMYO3). Also called: SELENON-related myopathy; Congenital myopathy 3 with rigid spine; MYOPATHY, SEPN1-RELATED; Rigid spine muscular dystrophy 1. Identifiers: MedGen C0410180, MONDO:0100100, OMIM 602771.

Allele frequency attached by ClinVar (database versions not stated): gnomAD 0.00001; TOPMed 0.00001; ExAC 0.00003; gnomAD exomes 0.00004; ESP Exome Variant Server 0.00008.
gnomAD v4.1: 55 of 1,613,458 alleles (0.0034%); highest among the groups gnomAD compares: Admixed American, 0.0083%; no homozygotes.

Submissions (3):

Labcorp Genetics (formerly Invitae), Labcorp
Classification: Likely benign for Eichsfeld type congenital muscular dystrophy. Last evaluated: 2026-01-26. Review status: criteria provided, single submitter. Criteria: Invitae Variant Classification Sherloc (09022015). Collection method: clinical testing. Allele origin: germline.

CeGaT Center for Human Genetics Tuebingen
Classification: Likely benign. Last evaluated: 2023-09-01. Review status: criteria provided, single submitter. Criteria: CeGaT Center For Human Genetics Tuebingen Variant Classification Criteria Version 2. Collection method: clinical testing. Allele origin: germline. Affected: yes. Observed: 1 variant allele.
Comment: SELENON: BP4, BP7

Blueprint Genetics
Classification: Likely benign. Last evaluated: 2022-09-08. Review status: criteria provided, single submitter. Criteria: ACMG Guidelines, 2015. Collection method: clinical testing. Allele origin: germline.

NM_206926.2(SELENON):c.312C>T (p.Pro104=)

Gene: SELENON (selenoprotein N; plus strand). Cytogenetic location: 1p36.11.
Variant type: single nucleotide variant.
Coding change: c.312C>T on transcript NM_206926.2 (MANE Select); coding-DNA position 312, C replaced by T.
Protein change: p.Pro104=; no amino-acid change (proline 104 retained).
Molecular consequence: synonymous variant.
Genome position (GRCh38, 1-based): chr1:25,805,152, C>T. VCF-style: chr1-25805152-C-T. GRCh37 (hg19) VCF-style: chr1-26131643-C-T.
Other names: c.414C>T, p.Pro138= (NM_020451.3).
Identifiers: ClinVar variation 723379 (VCV000723379.37), dbSNP rs374681184, ClinGen allele CA696490.
Genomic context (GRCh38, chr1:25,805,152, plus strand): 5'-TGAGCCCTGTAGCATAAGGGCAGTGCCTCTCCGATGTCTGTGTCTCATAGGGTCAACTCC[C>T]GCGGCCAGCTGCGAGGAGGAGGAGTTGCCCCCTGACCCTAGCGAGGAGACGCTCACCATA-3'
Protein context (NP_996809.1, residues 94-114): PIAEKLTGST[Pro104=]AASCEEEELP